The following is an entry in ClinVar:

ClinVar aggregate classification (germline): Conflicting classifications of pathogenicity. Review status: criteria provided, conflicting classifications (1 of 4 stars). 19 submissions from 19 submitters: Uncertain significance (1); Benign (8); Likely benign (7). 3 of the submissions do not count toward it. Last evaluated 2026-04-01.

Conditions:
ATM-related cancer predisposition. Also called: ATM-related cancer susceptibility. Identifiers: MedGen CN377759, MONDO:0700270.
ATM-related disorder. Also called: ATM-related disorders; ATM-related condition.
Hereditary cancer-predisposing syndrome. Also called: Tumor predisposition; Hereditary neoplastic syndrome; Neoplastic Syndromes, Hereditary; Hereditary Cancer Syndrome. Identifiers: Orphanet 140162, MedGen C0027672, MeSH D009386, MONDO:0015356.
Familial cancer of breast. Also called: Hereditary breast cancer; hereditary breast carcinoma; BREAST CANCER, FAMILIAL. Identifiers: Orphanet 227535, MedGen C0346153, MONDO:0016419, OMIM 114480. Disease mechanism: loss of function.
Ataxia-telangiectasia syndrome (AT). Also called: LOUIS-BAR SYNDROME; Ataxia-telangiectasia; Ataxia telangiectasia (A-T); Cerebello-oculocutaneous telangiectasia; Immunodeficiency with ataxia telangiectasia; Ataxia-telangiectasia, complementation group D. Identifiers: Orphanet 100, MedGen C0004135, MONDO:0008840, OMIM 208900.
Malignant tumor of breast. Also called: Malignant breast neoplasm; Cancer breast. Identifiers: MedGen C0006142, MONDO:0007254. Disease mechanism: loss of function.

Allele frequency attached by ClinVar (database versions not stated): gnomAD exomes 0.00013 and 0.00029; ExAC 0.00039; gnomAD 0.00130 and 0.00146; TOPMed 0.00138; 1000 Genomes Project 0.00140; 1000 Genomes Project 30x 0.00141; ESP Exome Variant Server 0.00146.
gnomAD v4.1: 397 of 1,614,056 alleles (0.025%); highest among the groups gnomAD compares: African/African-American, 0.45%; no homozygotes.

Submissions (19):

CeGaT Center for Human Genetics Tuebingen
Classification: Likely benign. Last evaluated: 2026-04-01. Review status: criteria provided, single submitter. Criteria: CeGaT Center For Human Genetics Tuebingen Variant Classification Criteria Version 2. Collection method: clinical testing. Allele origin: germline. Affected: yes. Observed: 3 variant alleles.
Comment: ATM: BP4

Dasa
Classification: Likely benign for ATM-related cancer predisposition. Last evaluated: 2026-03-03. Review status: criteria provided, single submitter. Criteria: DASA Assertion Criteria. Collection method: clinical testing. Allele origin: germline.
Comment: NM_000051.4(ATM):c.2608A>G (p.Asn870Asp) is a missense variant that results in the substitution of asparagine with aspartic acid. Multiple computational predictions suggest no deleterious effect on the gene or gene product. The variant is present at low frequency in population datasets. Based on the available data, this variant is classified as likely benign.

Labcorp Genetics (formerly Invitae), Labcorp
Classification: Benign for Ataxia-telangiectasia syndrome. Last evaluated: 2026-02-03. Review status: criteria provided, single submitter. Criteria: Invitae Variant Classification Sherloc (09022015). Collection method: clinical testing. Allele origin: germline.

Mayo Clinic Laboratories, Mayo Clinic
Classification: Likely benign. Last evaluated: 2025-07-29. Review status: criteria provided, single submitter. Criteria: ACMG Guidelines, 2015. Collection method: clinical testing. Allele origin: germline. Observed: 2 variant alleles.
Comment: BS1, BP4_moderate

ARUP Laboratories, Molecular Genetics and Genomics, ARUP Laboratories
Classification: Likely benign. Last evaluated: 2025-05-19. Review status: criteria provided, single submitter. Criteria: ARUP Molecular Germline Variant Investigation Process 2024. Collection method: clinical testing. Allele origin: germline.

Athena Diagnostics
Classification: Benign. Last evaluated: 2024-08-05. Review status: criteria provided, single submitter. Criteria: Athena Diagnostics Criteria. Collection method: clinical testing. Allele origin: unknown.

Myriad Genetics, Inc.
Classification: Likely benign for Familial cancer of breast. Last evaluated: 2024-05-09. Review status: criteria provided, single submitter. Criteria: Myriad Autosomal Dominant, Autosomal Recessive and X-Linked Classification Criteria (2023). Collection method: clinical testing. Allele origin: unknown.
Comment: This variant is considered likely benign. This variant is strongly associated with less severe personal and family histories of cancer, typical for individuals without pathogenic variants in this gene [PMID: 25085752].

Institute for Biomarker Research, Medical Diagnostic Laboratories, L.L.C.
Classification: Benign for Hereditary cancer-predisposing syndrome. Last evaluated: 2024-03-12. Review status: criteria provided, single submitter. Criteria: ACMG Guidelines, 2015. Collection method: clinical testing. Allele origin: germline.

Mendelics
Classification: Benign for Ataxia-telangiectasia syndrome. Last evaluated: 2023-08-22. Review status: criteria provided, single submitter. Criteria: Mendelics Assertion Criteria 2019. Collection method: clinical testing. Allele origin: germline.

GeneDx
Classification: Likely benign. Last evaluated: 2022-06-09. Review status: criteria provided, single submitter. Criteria: GeneDx Variant Classification Process June 2021. Collection method: clinical testing. Allele origin: germline. Affected: yes.
Comment: See Variant Classification Assertion Criteria.

Sema4
Classification: Likely benign for Hereditary cancer-predisposing syndrome. Last evaluated: 2021-03-01. Review status: criteria provided, single submitter. Criteria: Sema4 Curation Guidelines. Collection method: curation. Allele origin: germline.

Color Diagnostics, LLC DBA Color Health
Classification: Benign for Hereditary cancer-predisposing syndrome. Last evaluated: 2020-12-10. Review status: criteria provided, single submitter. Criteria: ACMG Guidelines, 2015. Collection method: clinical testing. Allele origin: germline.

Women's Health and Genetics/Laboratory Corporation of America, LabCorp
Classification: Benign. Last evaluated: 2020-07-30. Review status: criteria provided, single submitter. Criteria: LabCorp Variant Classification Summary - May 2015. Collection method: clinical testing. Allele origin: germline.
Comment: Variant summary: ATM c.2608A>G (p.Asn870Asp) results in a conservative amino acid change in the encoded protein sequence. Five of five in-silico tools predict a benign effect of the variant on protein function. The variant allele was found at a frequency of 0.0014 in 143226 control chromosomes, predominantly at a frequency of 0.0047 within the African or African-American subpopulation (i.e. 196/42012 alleles) in the gnomAD database (v3 genomes dataset). The observed variant frequency within African or African-American control individuals in the gnomAD database is approximately 4.7 fold of the estimated maximal expected allele frequency for a pathogenic variant in ATM causing Breast Cancer phenotype (0.001), strongly suggesting that the variant is a benign polymorphism found primarily in populations of African or African-American origin. In addition, this variant has been reported in 23/2559 African American women (i.e. with an allele frequency 0.0045) who are older than age 70 and cancer free (in the FLOSSIES database). c.2608A>G has been reported in the literature in individuals affected with Breast Cancer and other tumor phenotypes. These reports do not provide unequivocal conclusions about association of the variant with Breast Cancer. To our knowledge, no experimental evidence demonstrating an impact on protein function has been reported. Eight other clinical diagnostic laboratories have submitted clinical-significance assessments for this variant to ClinVar after 2014 without evidence for independent evaluation. Multiple laboratories reported the variant with conflicting assessments (i.e. benign (n=4) or VUS (n=4)). Based on the evidence outlined above, the variant was classified as benign.

Ambry Genetics
Classification: Benign for Hereditary cancer-predisposing syndrome. Last evaluated: 2019-05-15. Review status: criteria provided, single submitter. Criteria: Ambry Variant Classification Scheme 2023. Collection method: clinical testing. Allele origin: germline.

Quest Diagnostics Nichols Institute San Juan Capistrano
Classification: Benign. Last evaluated: 2018-09-04. Review status: criteria provided, single submitter. Criteria: Quest Diagnostics criteria. Collection method: clinical testing. Allele origin: unknown.

Center for Genomics, Ann and Robert H. Lurie Children's Hospital of Chicago
Classification: Uncertain significance for Ataxia-telangiectasia syndrome; Familial cancer of breast. Review status: criteria provided, single submitter. Criteria: ACMG Guidelines, 2015. Collection method: clinical testing. Allele origin: germline.
Comment: ATM NM_000051 exon 17 p.Asn870Asp (c.2608A>G): This variant has been reported in the literature in at least 2 individuals with a clinical suspicion of Lynch syndrome. Of note, one of these individuals also carried a loss of function variant in a different gene (Yurgelun 2015 PMID:25980754). This variant is present in 0.4 % (102/24026) of African alleles in the Genome Aggregation Database. This variant is present in ClinVar (Variation ID:127355). Evolutionary conservation and computational predictive tools suggest that this variant may not impact the protein. In summary, data on this variant is insufficient for disease classification. Therefore, the clinical significance of this variant is uncertain

PreventionGenetics, part of Exact Sciences
Classification: Likely benign for ATM-related condition. Last evaluated: 2022-03-17. Review status: no assertion criteria provided. Collection method: clinical testing. Allele origin: germline. Not counted in ClinVar's aggregate classification.
Comment: This variant is classified as likely benign based on ACMG/AMP sequence variant interpretation guidelines (Richards et al. 2015 PMID: 25741868, with internal and published modifications).

Counsyl
Classification: Uncertain significance for Ataxia-telangiectasia syndrome. Last evaluated: 2018-04-30. Review status: no assertion criteria provided. Collection method: clinical testing. Allele origin: unknown. Not counted in ClinVar's aggregate classification.

Department of Pathology and Laboratory Medicine, Sinai Health System
Classification: Likely benign for Malignant tumor of breast. Review status: no assertion criteria provided. Collection method: clinical testing. Allele origin: unknown. Affected: yes. Study: The Canadian Open Genetics Repository (COGR). Not counted in ClinVar's aggregate classification.
Comment: The ATM p.Asn870Asp variant was identified in 3 of 6764 proband chromosomes (frequency: 0.0004) from individuals or families with contralateral breast cancer or colorectal cancer (Bernstein 2010, Yurgelun 2015, Betge 2015). The variant was also identified in dbSNP (ID: rs61734354) as "With Uncertain significance allele", ClinVar (classified as benign by Invitae; as uncertain significance by GeneDx, Ambry Genetics, Counsyl, and Integrated Genetics/Laboratory Corporation of America), and MutDB. The variant was not identified in the COGR, Cosmic, or LOVD 3.0 databases. The variant was identified in control databases in 114 of 277178 chromosomes at a frequency of 0.0004 (Genome Aggregation Database Feb 27, 2017). The variant was observed in the following populations: African in 102 of 24026 chromosomes (freq: 0.004), Latino in 8 of 34418 chromosomes (freq: 0.0002), and European in 4 of 126694 chromosomes (freq: 0.00003), while the variant was not observed in the Other, Ashkenazi Jewish, East Asian, Finnish, or South Asian populations. The p.Asn870 residue is conserved in mammals but not in more distantly related organisms and computational analyses (PolyPhen-2, SIFT, AlignGVGD, BLOSUM, MutationTaster) do not suggest a high likelihood of impact to the protein; this information is not predictive enough to rule out pathogenicity. The variant occurs outside of the splicing consensus sequence and in silico or computational prediction software programs (SpliceSiteFinder, MaxEntScan, NNSPLICE, GeneSplicer) do not predict a difference in splicing. In summary, based on the above information, the clinical significance of this variant cannot be determined with certainty at this time although we would lean towards a more benign role for this variant. This variant is classified as likely benign.

Literature cited by the submitters: PubMed 33471991 (cited by Athena Diagnostics and Quest Diagnostics Nichols Institute San Juan Capistrano); PubMed 28652578 (cited by 3 submitters); PubMed 34326862 (cited by Athena Diagnostics and Quest Diagnostics Nichols Institute San Juan Capistrano); PubMed 36315513 (cited by Athena Diagnostics and Quest Diagnostics Nichols Institute San Juan Capistrano); PubMed 28135145 (cited by 3 submitters); PubMed 25980754 (cited by 4 submitters); PubMed 26320869 (cited by 3 submitters); PubMed 25085752 (cited by Myriad Genetics, Inc.); PubMed 23555315 (cited by Women's Health and Genetics/Laboratory Corporation of America, LabCorp); PubMed 20305132 (cited by Women's Health and Genetics/Laboratory Corporation of America, LabCorp); PubMed 22952040 (cited by Women's Health and Genetics/Laboratory Corporation of America, LabCorp); PubMed 26010451 (cited by Women's Health and Genetics/Laboratory Corporation of America, LabCorp).

NM_000051.4(ATM):c.2608A>G (p.Asn870Asp)

Gene: ATM (ATM serine/threonine kinase; plus strand). Cytogenetic location: 11q22.3.
Variant type: single nucleotide variant.
Coding change: c.2608A>G on transcript NM_000051.4 (MANE Select); coding-DNA position 2608, A replaced by G.
Protein change: p.Asn870Asp; replaces asparagine 870 with aspartic acid.
Molecular consequence: missense variant.
Genome position (GRCh38, 1-based): chr11:108,267,312, A>G. VCF-style: chr11-108267312-A-G. GRCh37 (hg19) VCF-style: chr11-108138039-A-G.
Other names: p.N870D:AAC>GAC; c.2608A>G, p.Asn870Asp (NM_001351834.2); short protein forms N870D.
Identifiers: ClinVar variation 127355 (VCV000127355.61), dbSNP rs61734354, ClinGen allele CA286769.